The following is an entry in ClinVar:

ClinVar aggregate classification (germline): Uncertain significance (1 of 4 stars; one submission).

Conditions:
Lissencephaly type 1 due to doublecortin gene mutation. Also called: LISSENCEPHALY, X-LINKED, 1; LISSENCEPHALY AND AGENESIS OF CORPUS CALLOSUM. Identifiers: Orphanet 2148, MedGen C4551968, MONDO:0010239, OMIM 300067.

Submission:

Dasa
Classification: Uncertain significance for Lissencephaly type 1 due to doublecortin gene mutation. Last evaluated: 2025-10-30. Review status: criteria provided, single submitter. Criteria: DASA Assertion Criteria. Collection method: clinical testing. Allele origin: germline.
Comment: NM_001195553.2(DCX):c.151A>G (p.Lys51Glu) is a missense variant that results in the substitution of lysine with glutamic acid. This variant is absent from population databases. Computational prediction algorithms are consistent with a deleterious effect. The currently available literature and clinical evidence are not sufficient to establish a definitive association between this variant and the reported condition. Therefore, this variant is classified as a variant of uncertain significance.

NM_001195553.2(DCX):c.151A>G (p.Lys51Glu)

Gene: DCX (doublecortin; minus strand). Cytogenetic location: Xq23.
Variant type: single nucleotide variant.
Coding change: c.151A>G on transcript NM_001195553.2 (MANE Select); coding-DNA position 151, A replaced by G.
Protein change: p.Lys51Glu; replaces lysine 51 with glutamic acid.
Molecular consequence: missense variant.
Genome position (GRCh38, 1-based): chrX:111,410,248, T>C on the plus strand (A>G on the coding strand, the complement: DCX is on the minus strand). VCF-style: chrX-111410248-T-C. GRCh37 (hg19) VCF-style: chrX-110653476-T-C.
Other names: c.394A>G, p.Lys132Glu (NM_000555.3); c.151A>G, p.Lys51Glu (NM_001369370.1, NM_001369371.1, NM_001369372.1 and 6 more transcripts); short protein forms K132E, K51E.
Identifiers: ClinVar variation 4882368 (VCV004882368.2).